The following is an entry in ClinVar:

ClinVar aggregate classification (germline): Uncertain significance (1 of 4 stars; one submission).

gnomAD v4.1: 2 of 1,613,938 alleles (0.00012%); highest among the groups gnomAD compares: Non-Finnish European, 0.00017%; no homozygotes.

Submission:

Labcorp Genetics (formerly Invitae), Labcorp
Classification: Uncertain significance. Last evaluated: 2026-01-03. Review status: criteria provided, single submitter. Criteria: Invitae Variant Classification Sherloc (09022015). Collection method: clinical testing. Allele origin: germline.
Comment: This sequence change replaces arginine, which is basic and polar, with cysteine, which is neutral and slightly polar, at codon 185 of the FBXO11 protein (p.Arg185Cys). This variant is not present in population databases (gnomAD no frequency). This variant has not been reported in the literature in individuals affected with FBXO11-related conditions. ClinVar contains an entry for this variant (Variation ID: 3619139). An algorithm developed to predict the effect of missense changes on protein structure and function (PolyPhen-2) suggests that this variant is likely to be disruptive. In summary, the available evidence is currently insufficient to determine the role of this variant in disease. Therefore, it has been classified as a Variant of Uncertain Significance.

NM_001190274.2(FBXO11):c.553C>T (p.Arg185Cys)

Gene: FBXO11 (F-box protein 11; minus strand). Cytogenetic location: 2p16.3.
Variant type: single nucleotide variant.
Coding change: c.553C>T on transcript NM_001190274.2 (MANE Select); coding-DNA position 553, C replaced by T.
Protein change: p.Arg185Cys; replaces arginine 185 with cysteine.
Molecular consequence: missense variant.
Genome position (GRCh38, 1-based): chr2:47,838,893, G>A on the plus strand (C>T on the coding strand, the complement: FBXO11 is on the minus strand). VCF-style: chr2-47838893-G-A. GRCh37 (hg19) VCF-style: chr2-48066032-G-A.
Other names: c.301C>T, p.Arg101Cys (NM_001374325.1, NM_025133.4); short protein forms R101C, R185C.
Identifiers: ClinVar variation 3619139 (VCV003619139.2).